The following is an entry in ClinVar:

ClinVar aggregate classification (germline): Likely pathogenic. Review status: criteria provided, multiple submitters, no conflicts (2 of 4 stars). 2 submissions from 2 submitters: Likely pathogenic (2). Last evaluated 2024-12-31.

Conditions:
Severe myoclonic epilepsy in infancy (DRVT). Also called: SEVERE MYOCLONIC EPILEPSY OF INFANCY; DEVELOPMENTAL AND EPILEPTIC ENCEPHALOPATHY 6A; Severe Myoclonic Epilepsy in Infancy (SMEI); Epileptic encephalopathy, early infantile, 6 (Dravet syndrome); Dravet syndrome. Identifiers: Orphanet 33069, MedGen C0751122, MONDO:0100135, OMIM 607208.

Submissions (2):

3billion
Classification: Likely pathogenic for Severe myoclonic epilepsy in infancy. Last evaluated: 2024-12-31. Review status: criteria provided, single submitter. Criteria: ACMG Guidelines, 2015. Collection method: clinical testing. Allele origin: germline. Affected: yes.
Comment: The variant is not observed in the gnomAD v4.1.0 dataset. Predicted Consequence/Location: Missense variant In silico tool predictions suggest damaging effect of the variant on gene or gene product [REVEL: 0.96 (>=0.6, sensitivity 0.68 and specificity 0.92); 3Cnet: 0.99 (>=0.6, sensitivity 0.72 and precision 0.9)]. The same nucleotide change resulting in the same amino acid change has been previously reported to be associated with SCN1A-related disorder (ClinVar ID: VCV000449130 /PMID: 26438699). The variant has been previously reported as assumed (i.e. paternity and maternity not confirmed) de novo in at least one similarly affected unrelated individual (PMID: 26438699). A different missense change at the same codon (p.Thr1722Asn) has been reported to be associated with SCN1A-related disorder (PMID: 34338318). Therefore, this variant is classified as Likely pathogenic according to the recommendation of ACMG/AMP guideline.

GeneDx
Classification: Likely pathogenic. Last evaluated: 2017-08-18. Review status: criteria provided, single submitter. Criteria: GeneDx Variant Classification (06012015). Collection method: clinical testing. Allele origin: germline. Affected: yes.
Comment: A variant that is likely pathogenic has been identified in the SCN1A gene. The T1722A variant has been previously reported as a de novo change in an individual with Dravet syndrome (Wu et al., 2015). The T1722A variant is not observed in large population cohorts (Lek et al., 2016; 1000 Genomes Consortium et al., 2015; Exome Variant Server). The T1722A variant is a non-conservative amino acid substitution, which is likely to impact secondary protein structure as these residues differ in polarity, charge, size and/or other properties. This substitution alters a conserved position predicted to be within the pore forming loop between the S5 and S6 transmembrane segments of the fourth homologous domain. In silico analysis predicts this variant is probably damaging to the protein structure/function. Therefore, this variant is likely pathogenic; however, the possibility that it is benign cannot be excluded.

Literature cited by the submitters: PubMed 34338318 (cited by 3billion); PubMed 26438699 (cited by 3billion).

NM_001165963.4(SCN1A):c.5164A>G (p.Thr1722Ala)

Genes: SCN1A (sodium voltage-gated channel alpha subunit 1; minus strand), LOC102724058 (uncharacterized LOC102724058; plus strand). Cytogenetic location: 2q24.3.
Variant type: single nucleotide variant.
Coding change: c.5164A>G on transcript NM_001165963.4 (MANE Select); coding-DNA position 5164, A replaced by G.
Protein change: p.Thr1722Ala; replaces threonine 1722 with alanine.
Molecular consequence: missense variant. On other transcripts: non-coding transcript variant (1).
Genome position (GRCh38, 1-based): chr2:165,992,111, T>C on the plus strand (A>G on the coding strand, the complement: SCN1A is on the minus strand). VCF-style: chr2-165992111-T-C. GRCh37 (hg19) VCF-style: chr2-166848621-T-C.
Other names: c.5080A>G, p.Thr1694Ala (NM_001165964.3, NM_001353957.2, NM_001353958.2); c.5164A>G, p.Thr1722Ala (NM_001202435.3, NM_001353948.2); c.5131A>G, p.Thr1711Ala (NM_001353949.2, NM_001353950.2, NM_001353951.2 and 2 more transcripts); c.5128A>G, p.Thr1710Ala (NM_001353954.2, NM_001353955.2); c.5077A>G, p.Thr1693Ala (NM_001353960.2); c.2722A>G, p.Thr908Ala (NM_001353961.2); short protein forms T1711A, T1722A, T1694A, T1710A, T908A, T1693A.
Identifiers: ClinVar variation 449130 (VCV000449130.3), dbSNP rs1553520321, ClinGen allele CA349068831.